The following is an entry in ClinVar:

NM_001145252.3(CFP):c.155G>C (p.Ser52Thr)

Gene: CFP (complement factor properdin; minus strand). Cytogenetic location: Xp11.23.
Variant type: single nucleotide variant.
Coding change: c.155G>C on transcript NM_001145252.3 (MANE Select); coding-DNA position 155, G replaced by C.
Protein change: p.Ser52Thr; replaces serine 52 with threonine.
Molecular consequence: missense variant.
Genome position (GRCh38, 1-based): chrX:47,629,596, C>G on the plus strand (G>C on the coding strand, the complement: CFP is on the minus strand). VCF-style: chrX-47629596-C-G. GRCh37 (hg19) VCF-style: chrX-47488995-C-G.
Other names: c.155G>C, p.Ser52Thr (NM_002621.2); short protein forms S52T.
Identifiers: ClinVar variation 3652872 (VCV003652872.2).

ClinVar aggregate classification (germline): Uncertain significance (1 of 4 stars; one submission).

gnomAD v4.1: 2 of 1,168,794 alleles (0.00017%); highest among the groups gnomAD compares: African/African-American, 0.0036%; no homozygotes.

Submission:

Labcorp Genetics (formerly Invitae), Labcorp
Classification: Uncertain significance. Last evaluated: 2025-12-23. Review status: criteria provided, single submitter. Criteria: Invitae Variant Classification Sherloc (09022015). Collection method: clinical testing. Allele origin: germline.
Comment: This sequence change replaces serine, which is neutral and polar, with threonine, which is neutral and polar, at codon 52 of the CFP protein (p.Ser52Thr). This variant is not present in population databases (gnomAD no frequency). This variant has not been reported in the literature in individuals affected with CFP-related conditions. ClinVar contains an entry for this variant (Variation ID: 3652872). Invitae Evidence Modeling of protein sequence and biophysical properties (such as structural, functional, and spatial information, amino acid conservation, physicochemical variation, residue mobility, and thermodynamic stability) indicates that this missense variant is not expected to disrupt CFP protein function with a negative predictive value of 80%. In summary, the available evidence is currently insufficient to determine the role of this variant in disease. Therefore, it has been classified as a Variant of Uncertain Significance.